The following is an entry in ClinVar:

NM_138638.5(CFL2):c.97A>C (p.Lys33Gln)

Gene: CFL2 (cofilin 2; minus strand). Cytogenetic location: 14q13.1.
Variant type: single nucleotide variant.
Coding change: c.97A>C on transcript NM_138638.5 (MANE Select); coding-DNA position 97, A replaced by C.
Protein change: p.Lys33Gln; replaces lysine 33 with glutamine.
Molecular consequence: missense variant. On other transcripts: non-coding transcript variant (1).
Genome position (GRCh38, 1-based): chr14:34,713,468, T>G on the plus strand (A>C on the coding strand, the complement: CFL2 is on the minus strand). VCF-style: chr14-34713468-T-G. GRCh37 (hg19) VCF-style: chr14-35182674-T-G.
Other names: c.46A>C, p.Lys16Gln (NM_001243645.2); c.97A>C, p.Lys33Gln (NM_021914.8); short protein forms K33Q, K16Q.
Identifiers: ClinVar variation 2145140 (VCV002145140.4), dbSNP rs372420724, ClinGen allele CA7152325.

ClinVar aggregate classification (germline): Uncertain significance (1 of 4 stars; one submission).

Conditions:
Nemaline myopathy 7 (NEM7). Also called: Nemaline myopathy 7, autosomal recessive. Identifiers: Orphanet 171436, MedGen C1853154, MONDO:0012538, OMIM 610687.

Allele frequency attached by ClinVar (database versions not stated): gnomAD exomes below 0.00001; ExAC 0.00001; gnomAD 0.00001; TOPMed 0.00001; ESP Exome Variant Server 0.00008.
gnomAD v4.1: 5 of 1,614,030 alleles (0.00031%); highest among the groups gnomAD compares: Non-Finnish European, 0.00042%; no homozygotes.

Submission:

Labcorp Genetics (formerly Invitae), Labcorp
Classification: Uncertain significance for Nemaline myopathy 7. Last evaluated: 2022-09-09. Review status: criteria provided, single submitter. Criteria: Invitae Variant Classification Sherloc (09022015). Collection method: clinical testing. Allele origin: germline.
Comment: Algorithms developed to predict the effect of missense changes on protein structure and function (SIFT, PolyPhen-2, Align-GVGD) all suggest that this variant is likely to be disruptive. In summary, the available evidence is currently insufficient to determine the role of this variant in disease. Therefore, it has been classified as a Variant of Uncertain Significance. This variant has not been reported in the literature in individuals affected with CFL2-related conditions. This variant is present in population databases (rs372420724, gnomAD 0.0009%). This sequence change replaces lysine, which is basic and polar, with glutamine, which is neutral and polar, at codon 33 of the CFL2 protein (p.Lys33Gln).